The following is an entry in ClinVar:

ClinVar aggregate classification (germline): Likely benign. Review status: criteria provided, multiple submitters, no conflicts (2 of 4 stars). 2 submissions from 2 submitters: Likely benign (2). Last evaluated 2026-05-11.

Conditions:
Neurofibromatosis, type 1 (NF1). Also called: Neurofibromatosis, type I; NEUROFIBROMATOSIS, TYPE I, SOMATIC; VON RECKLINGHAUSEN DISEASE; Peripheral type neurofibromatosis. Identifiers: Orphanet 636, MedGen C0027831, MONDO:0018975, OMIM 162200. Disease mechanism: loss of function.
Hereditary cancer-predisposing syndrome. Also called: Tumor predisposition; Hereditary Cancer Syndrome; Hereditary neoplastic syndrome; Neoplastic Syndromes, Hereditary. Identifiers: Orphanet 140162, MedGen C0027672, MeSH D009386, MONDO:0015356.
Cardiovascular phenotype. Identifiers: MedGen CN230736.

Allele frequency attached by ClinVar (database versions not stated): gnomAD exomes below 0.00001.
gnomAD v4.1: 1 of 1,612,488 alleles (0.000062%); highest among the groups gnomAD compares: Non-Finnish European, 0.000085%; no homozygotes.

Submissions (2):

Myriad Genetics, Inc.
Classification: Likely benign for Neurofibromatosis, type 1. Last evaluated: 2026-05-11. Review status: criteria provided, single submitter. Criteria: Myriad Autosomal Dominant, Autosomal Recessive and X-Linked Classification Criteria (2023). Collection method: clinical testing. Allele origin: unknown.
Comment: This variant is considered likely benign. This variant is intronic and is not expected to impact mRNA splicing.

Ambry Genetics
Classification: Likely benign for Cardiovascular phenotype; Hereditary cancer-predisposing syndrome. Last evaluated: 2023-06-23. Review status: criteria provided, single submitter. Criteria: Ambry Variant Classification Scheme 2023. Collection method: clinical testing. Allele origin: germline.

NM_001042492.3(NF1):c.61-4T>C

Gene: NF1 (neurofibromin 1; plus strand). Cytogenetic location: 17q11.2.
Variant type: single nucleotide variant.
Coding change: c.61-4T>C on transcript NM_001042492.3 (MANE Select); 4 bases into the intron before coding-DNA position 61, T replaced by C.
Molecular consequence: intron variant.
Genome position (GRCh38, 1-based): chr17:31,155,979, T>C. VCF-style: chr17-31155979-T-C. GRCh37 (hg19) VCF-style: chr17-29482997-T-C.
Other names: c.61-4T>C (NM_000267.4, NM_001128147.3).
Identifiers: ClinVar variation 2276805 (VCV002276805.3), dbSNP rs2544680589, ClinGen allele CA2580092771.